The following is an entry in ClinVar:

ClinVar aggregate classification (germline): Uncertain significance (1 of 4 stars; one submission).

Conditions:
Hereditary cancer-predisposing syndrome. Also called: Hereditary neoplastic syndrome; Hereditary Cancer Syndrome; Neoplastic Syndromes, Hereditary; Tumor predisposition. Identifiers: Orphanet 140162, MedGen C0027672, MeSH D009386, MONDO:0015356.

Submission:

Ambry Genetics
Classification: Uncertain significance for Hereditary cancer-predisposing syndrome. Last evaluated: 2023-04-18. Review status: criteria provided, single submitter. Criteria: Ambry Variant Classification Scheme 2023. Collection method: clinical testing. Allele origin: germline.
Comment: The p.P656H variant (also known as c.1967C>A), located in coding exon 4 of the MSH6 gene, results from a C to A substitution at nucleotide position 1967. The proline at codon 656 is replaced by histidine, an amino acid with similar properties. This amino acid position is conserved. In addition, this alteration is predicted to be deleterious by in silico analysis. Since supporting evidence is limited at this time, the clinical significance of this alteration remains unclear.

NM_000179.3(MSH6):c.1967C>A (p.Pro656His)

Gene: MSH6 (mutS homolog 6; plus strand). Cytogenetic location: 2p16.3.
Variant type: single nucleotide variant.
Coding change: c.1967C>A on transcript NM_000179.3 (MANE Select); coding-DNA position 1967, C replaced by A.
Protein change: p.Pro656His; replaces proline 656 with histidine.
Molecular consequence: missense variant. On other transcripts: non-coding transcript variant (5), intron variant (2).
Genome position (GRCh38, 1-based): chr2:47,799,950, C>A. VCF-style: chr2-47799950-C-A. GRCh37 (hg19) VCF-style: chr2-48027089-C-A.
Other names: c.1577C>A, p.Pro526His (NM_001281492.2); c.1061C>A, p.Pro354His (NM_001281493.2, NM_001281494.2, NM_001406811.1 and 6 more transcripts); c.2063C>A, p.Pro688His (NM_001406795.1, NM_001406802.1); c.1967C>A, p.Pro656His (NM_001406796.1, NM_001406798.1, NM_001406800.1 and 3 more transcripts); c.1670C>A, p.Pro557His (NM_001406797.1, NM_001406801.1, NM_001406805.1 and 10 more transcripts); c.1442C>A, p.Pro481His (NM_001406799.1, NM_001406806.1, NM_001406807.1); c.1889C>A, p.Pro630His (NM_001406804.1); c.1973C>A, p.Pro658His (NM_001406813.1); and 3 more; short protein forms P354H, P481H, P630H, P688H, P557H, P600H, P656H, P658H.
Identifiers: ClinVar variation 2567467 (VCV002567467.2), dbSNP rs1669401102, ClinGen allele CA346750595.